The following is an entry in ClinVar:

NM_000238.4(KCNH2):c.2134G>A (p.Asp712Asn)

Gene: KCNH2 (potassium voltage-gated channel subfamily H member 2; minus strand). Cytogenetic location: 7q36.1.
Variant type: single nucleotide variant.
Coding change: c.2134G>A on transcript NM_000238.4 (MANE Select); coding-DNA position 2134, G replaced by A.
Protein change: p.Asp712Asn; replaces aspartic acid 712 with asparagine.
Molecular consequence: missense variant.
Genome position (GRCh38, 1-based): chr7:150,950,932, C>T on the plus strand (G>A on the coding strand, the complement: KCNH2 is on the minus strand). VCF-style: chr7-150950932-C-T. GRCh37 (hg19) VCF-style: chr7-150648020-C-T.
Other names: c.1114G>A, p.Asp372Asn (NM_001204798.2, NM_172057.3); c.1846G>A, p.Asp616Asn (NM_001406753.1, NM_001406756.1); c.1957G>A, p.Asp653Asn (NM_001406755.1); c.1834G>A, p.Asp612Asn (NM_001406757.1); c.2134G>A, p.Asp712Asn (NM_172056.3); short protein forms D372N, D616N, D653N, D712N, D612N.
Identifiers: ClinVar variation 2136625 (VCV002136625.6), dbSNP rs199852343, ClinGen allele CA169076207.

ClinVar aggregate classification (germline): Uncertain significance. Review status: criteria provided, multiple submitters, no conflicts (2 of 4 stars). 2 submissions from 2 submitters: Uncertain significance (2). Last evaluated 2025-08-07.

Conditions:
Long QT syndrome (LQTS). Identifiers: MedGen C0023976, MeSH D008133, MONDO:0002442. Disease mechanism: loss of function. Inheritance: Various modes of inheritance.
Cardiovascular phenotype. Identifiers: MedGen CN230736.

Allele frequency attached by ClinVar (database versions not stated): gnomAD 0.00001; 1000 Genomes Project 30x 0.00016.
gnomAD v4.1: 3 of 1,614,154 alleles (0.00019%); highest among the groups gnomAD compares: East Asian, 0.0022%; no homozygotes.

Submissions (2):

Ambry Genetics
Classification: Uncertain significance for Cardiovascular phenotype. Last evaluated: 2025-08-07. Review status: criteria provided, single submitter. Criteria: Ambry Variant Classification Scheme 2023. Collection method: clinical testing. Allele origin: germline.
Comment: The p.D712N variant (also known as c.2134G>A), located in coding exon 8 of the KCNH2 gene, results from a G to A substitution at nucleotide position 2134. The aspartic acid at codon 712 is replaced by asparagine, an amino acid with highly similar properties. This alteration has been reported in a long QT syndrome cohort; however, clinical details were limited (Hayashi K et al. JACC Clin Electrophysiol, 2016 Jun;2:279-287; Itoh H et al. Eur J Hum Genet, 2016 Aug;24:1160-6). This amino acid position is highly conserved in available vertebrate species. In addition, the in silico prediction for this alteration is inconclusive. Since supporting evidence is limited at this time, the clinical significance of this alteration remains unclear.

Labcorp Genetics (formerly Invitae), Labcorp
Classification: Uncertain significance for Long QT syndrome. Last evaluated: 2025-06-18. Review status: criteria provided, single submitter. Criteria: Invitae Variant Classification Sherloc (09022015). Collection method: clinical testing. Allele origin: germline.
Comment: This sequence change replaces aspartic acid, which is acidic and polar, with asparagine, which is neutral and polar, at codon 712 of the KCNH2 protein (p.Asp712Asn). This variant is not present in population databases (gnomAD no frequency). This missense change has been observed in individual(s) with clinical features of KCNH2-related conditions (PMID: 26669661, 36861347). ClinVar contains an entry for this variant (Variation ID: 2136625). An algorithm developed to predict the effect of missense changes on protein structure and function (PolyPhen-2) suggests that this variant is likely to be disruptive. In summary, the available evidence is currently insufficient to determine the role of this variant in disease. Therefore, it has been classified as a Variant of Uncertain Significance.

Literature cited by the submitters: PubMed 26669661 (cited by Ambry Genetics and Labcorp Genetics (formerly Invitae), Labcorp); PubMed 29766885 (cited by Ambry Genetics); PubMed 36861347 (cited by Labcorp Genetics (formerly Invitae), Labcorp).